The following is an entry in ClinVar:

ClinVar aggregate classification (germline): Uncertain significance (1 of 4 stars; one submission).

Conditions:
Inborn genetic diseases. Identifiers: MedGen C0950123, MeSH D030342.

Submission:

Ambry Genetics
Classification: Uncertain significance for Inborn genetic diseases. Last evaluated: 2022-07-25. Review status: criteria provided, single submitter. Criteria: Ambry Variant Classification Scheme 2023. Collection method: clinical testing. Allele origin: germline.
Comment: The p.L1318V variant (also known as c.3952C>G), located in coding exon 22 of the ATR gene, results from a C to G substitution at nucleotide position 3952. The leucine at codon 1318 is replaced by valine, an amino acid with highly similar properties. This amino acid position is conserved. In addition, this alteration is predicted to be tolerated by in silico analysis. Since supporting evidence is limited at this time, the clinical significance of this alteration remains unclear.

NM_001184.4(ATR):c.3952C>G (p.Leu1318Val)

Gene: ATR (ATR checkpoint kinase; minus strand). Cytogenetic location: 3q23.
Variant type: single nucleotide variant.
Coding change: c.3952C>G on transcript NM_001184.4 (MANE Select); coding-DNA position 3952, C replaced by G.
Protein change: p.Leu1318Val; replaces leucine 1318 with valine.
Molecular consequence: missense variant.
Genome position (GRCh38, 1-based): chr3:142,524,193, G>C on the plus strand (C>G on the coding strand, the complement: ATR is on the minus strand). VCF-style: chr3-142524193-G-C. GRCh37 (hg19) VCF-style: chr3-142243035-G-C.
Other names: c.3760C>G, p.Leu1254Val (NM_001354579.2); short protein forms L1254V, L1318V.
Identifiers: ClinVar variation 1736449 (VCV001736449.2), dbSNP rs1372433526, ClinGen allele CA354802906.